The following is an entry in ClinVar:

NM_020247.5(COQ8A):c.818C>T (p.Ala273Val)

Gene: COQ8A (coenzyme Q8A; plus strand). Cytogenetic location: 1q42.13.
Variant type: single nucleotide variant.
Coding change: c.818C>T on transcript NM_020247.5 (MANE Select); coding-DNA position 818, C replaced by T.
Protein change: p.Ala273Val; replaces alanine 273 with valine.
Molecular consequence: missense variant.
Genome position (GRCh38, 1-based): chr1:226,982,114, C>T. VCF-style: chr1-226982114-C-T. GRCh37 (hg19) VCF-style: chr1-227169815-C-T.
Other names: short protein forms A273V.
Identifiers: ClinVar variation 287976 (VCV000287976.6), dbSNP rs368872986, ClinGen allele CA1425164.
Genomic context (GRCh38, chr1:226,982,114, plus strand): 5'-CTTTCCTGTCCGAGGCCAATGCAGAGCGGATCGTGCGCACGCTCTGCAAGGTGCGTGGTG[C>T]GGCACTCAAGCTGGGCCAGATGCTGAGCATCCAGGGTGAGTGGGCGCGGGGGCTGCTGCC-3'
Protein context (NP_064632.2, residues 263-283): IVRTLCKVRG[Ala273Val]ALKLGQMLSI

ClinVar aggregate classification (germline): Uncertain significance. Review status: criteria provided, multiple submitters, no conflicts (2 of 4 stars). 2 submissions from 2 submitters: Uncertain significance (2). Last evaluated 2022-05-06.

Allele frequency attached by ClinVar (database versions not stated): gnomAD 0.00003 and 0.00004; TOPMed 0.00003; gnomAD exomes 0.00004 and 0.00006; ExAC 0.00006; ESP Exome Variant Server 0.00008.
gnomAD v4.1: 58 of 1,607,494 alleles (0.0036%); highest among the groups gnomAD compares: Middle Eastern, 0.016%; no homozygotes.

Submissions (2):

Labcorp Genetics (formerly Invitae), Labcorp
Classification: Uncertain significance. Last evaluated: 2022-05-06. Review status: criteria provided, single submitter. Criteria: Invitae Variant Classification Sherloc (09022015). Collection method: clinical testing. Allele origin: germline.
Comment: This sequence change replaces alanine, which is neutral and non-polar, with valine, which is neutral and non-polar, at codon 273 of the COQ8A protein (p.Ala273Val). This variant is present in population databases (rs368872986, gnomAD 0.03%). This variant has not been reported in the literature in individuals affected with COQ8A-related conditions. ClinVar contains an entry for this variant (Variation ID: 287976). Advanced modeling of protein sequence and biophysical properties (such as structural, functional, and spatial information, amino acid conservation, physicochemical variation, residue mobility, and thermodynamic stability) performed at Invitae indicates that this missense variant is expected to disrupt COQ8A protein function. In summary, the available evidence is currently insufficient to determine the role of this variant in disease. Therefore, it has been classified as a Variant of Uncertain Significance.

Eurofins Ntd Llc (ga)
Classification: Uncertain significance. Last evaluated: 2016-06-15. Review status: criteria provided, single submitter. Criteria: EGL Classification Definitions 2015. Collection method: clinical testing. Allele origin: germline. Observed: 1 variant allele, 1 heterozygote.